The following is an entry in ClinVar:

NM_001145860.2(POP1):c.228C>T (p.Ser76=)

Gene: POP1 (POP1 ribonuclease P/MRP subunit; plus strand). Cytogenetic location: 8q22.2.
Variant type: single nucleotide variant.
Coding change: c.228C>T on transcript NM_001145860.2 (MANE Select); coding-DNA position 228, C replaced by T.
Protein change: p.Ser76=; no amino-acid change (serine 76 retained).
Molecular consequence: synonymous variant.
Genome position (GRCh38, 1-based): chr8:98,127,680, C>T. VCF-style: chr8-98127680-C-T. GRCh37 (hg19) VCF-style: chr8-99139908-C-T.
Other names: c.228C>T, p.Ser76= (NM_001145861.2, NM_015029.3).
Identifiers: ClinVar variation 3050944 (VCV003050944.4), dbSNP rs376683979, ClinGen allele CA4820263.

ClinVar aggregate classification (germline): Likely benign. Review status: criteria provided, single submitter (1 of 4 stars). 2 submissions from 2 submitters: Likely benign (1). 1 of the submissions does not count toward it. Last evaluated 2024-12-03.

Conditions:
POP1-related disorder. Also called: POP1-related condition.

Allele frequency attached by ClinVar (database versions not stated): ExAC 0.00001; gnomAD exomes 0.00001; TOPMed 0.00001; gnomAD 0.00002; ESP Exome Variant Server 0.00008.
gnomAD v4.1: 9 of 1,614,006 alleles (0.00056%); highest among the groups gnomAD compares: Admixed American, 0.0067%; no homozygotes.

Submissions (2):

Labcorp Genetics (formerly Invitae), Labcorp
Classification: Likely benign. Last evaluated: 2024-12-03. Review status: criteria provided, single submitter. Criteria: Invitae Variant Classification Sherloc (09022015). Collection method: clinical testing. Allele origin: germline.

PreventionGenetics, part of Exact Sciences
Classification: Likely benign for POP1-related condition. Last evaluated: 2019-04-09. Review status: no assertion criteria provided. Collection method: clinical testing. Allele origin: germline. Not counted in ClinVar's aggregate classification.
Comment: This variant is classified as likely benign based on ACMG/AMP sequence variant interpretation guidelines (Richards et al. 2015 PMID: 25741868, with internal and published modifications).